The following is an entry in ClinVar:

NM_016373.4(WWOX):c.1016C>T (p.Thr339Ile)

Gene: WWOX (WW domain containing oxidoreductase; plus strand). Cytogenetic location: 16q23.1.
Variant type: single nucleotide variant.
Coding change: c.1016C>T on transcript NM_016373.4 (MANE Select); coding-DNA position 1016, C replaced by T.
Protein change: p.Thr339Ile; replaces threonine 339 with isoleucine.
Molecular consequence: missense variant.
Genome position (GRCh38, 1-based): chr16:78,432,712, C>T. VCF-style: chr16-78432712-C-T. GRCh37 (hg19) VCF-style: chr16-78466609-C-T.
Other names: c.677C>T, p.Thr226Ile (NM_001291997.2); c.1016C>T (NM_016373.2); short protein forms T339I, T226I.
Identifiers: ClinVar variation 1928777 (VCV001928777.4), dbSNP rs376672888, ClinGen allele CA284547521.

ClinVar aggregate classification (germline): Uncertain significance. Review status: criteria provided, multiple submitters, no conflicts (2 of 4 stars). 2 submissions from 2 submitters: Uncertain significance (2). Last evaluated 2024-12-18.

Conditions:
Autosomal recessive spinocerebellar ataxia 12. Also called: SPINOCEREBELLAR ATAXIA WITH MENTAL RETARDATION AND EPILEPSY. Identifiers: Orphanet 284282, MedGen C3280452, MONDO:0013687, OMIM 614322.
Developmental and epileptic encephalopathy, 1 (DEE1). Also called: X-linked infantile spasms; West's syndrome; Tonic spasms with clustering, arrest of psychomotor development and hypsarrhythmia on EEG; X-Linked Infantile Spasm Syndrome; OHTAHARA SYNDROME, X-LINKED; INFANTILE SPASM SYNDROME, X-LINKED 1. Identifiers: MedGen C3463992, MONDO:0010632, OMIM 308350. Disease mechanism: loss of function.

Allele frequency attached by ClinVar (database versions not stated): gnomAD exomes below 0.00001; ESP Exome Variant Server 0.00008.
gnomAD v4.1: 5 of 1,614,072 alleles (0.00031%); highest among the groups gnomAD compares: African/African-American, 0.0013%; no homozygotes.

Submissions (2):

GeneDx
Classification: Uncertain significance. Last evaluated: 2024-12-18. Review status: criteria provided, single submitter. Criteria: GeneDx Variant Classification Process June 2021. Collection method: clinical testing. Allele origin: germline. Affected: yes.
Comment: Not observed at significant frequency in large population cohorts (gnomAD); In silico analysis supports that this missense variant has a deleterious effect on protein structure/function; Has not been previously published as pathogenic or benign to our knowledge

Labcorp Genetics (formerly Invitae), Labcorp
Classification: Uncertain significance for Developmental and epileptic encephalopathy, 1; Autosomal recessive spinocerebellar ataxia 12. Last evaluated: 2023-08-17. Review status: criteria provided, single submitter. Criteria: Invitae Variant Classification Sherloc (09022015). Collection method: clinical testing. Allele origin: germline.
Comment: ClinVar contains an entry for this variant (Variation ID: 1928777). In summary, the available evidence is currently insufficient to determine the role of this variant in disease. Therefore, it has been classified as a Variant of Uncertain Significance. Advanced modeling of protein sequence and biophysical properties (such as structural, functional, and spatial information, amino acid conservation, physicochemical variation, residue mobility, and thermodynamic stability) performed at Invitae indicates that this missense variant is not expected to disrupt WWOX protein function. This variant has not been reported in the literature in individuals affected with WWOX-related conditions. This variant is not present in population databases (gnomAD no frequency). This sequence change replaces threonine, which is neutral and polar, with isoleucine, which is neutral and non-polar, at codon 339 of the WWOX protein (p.Thr339Ile).